The following is an entry in ClinVar:

NC_000001.11:g.(?_23691824)_(23696373_?)del

Gene: RPL11 (ribosomal protein L11; plus strand). Cytogenetic location: 1p36.11.
Variant type: Deletion.
Identifiers: ClinVar variation 832897 (VCV000832897.2).

ClinVar aggregate classification (germline): Pathogenic (1 of 4 stars; one submission).

Conditions:
Diamond-Blackfan anemia. Also called: Blackfan Diamond syndrome; Aregenerative anemia chronic congenital; Red cell aplasia, pure hereditary; Congenital hypoplastic anemia; Aase syndrome. Identifiers: Orphanet 124, MedGen C1260899, MeSH D029503, MONDO:0015253, HP:0004810.

Submission:

Labcorp Genetics (formerly Invitae), Labcorp
Classification: Pathogenic for Diamond-Blackfan anemia. Last evaluated: 2022-08-31. Review status: criteria provided, single submitter. Criteria: Invitae Variant Classification Sherloc (09022015). Collection method: clinical testing. Allele origin: germline.
Comment: A gross deletion of the genomic region encompassing the full coding sequence of the RPL11 gene has been identified. Loss-of-function variants in RPL11 are known to be pathogenic (PMID: 19061985, 19773262). The boundaries of this event are unknown as they extend beyond the assayed region for this gene and therefore may encompass additional genes. A similar copy number variant has been observed in individuals with Diamond-Blackfan anemia (PMID: 22689679). For these reasons, this variant has been classified as Pathogenic.

Literature cited by the submitters: PubMed 19061985; PubMed 19773262; PubMed 22689679.